The following is an entry in ClinVar:

ClinVar aggregate classification (germline): Likely pathogenic. Review status: reviewed by expert panel (3 of 4 stars). 3 submissions from 3 submitters: Likely pathogenic (1). 2 of the submissions do not count toward it. Last evaluated 2023-12-21.

Conditions:
Marfan syndrome (MFS). Also called: Marfan syndrome type 1; Marfan's syndrome; FBN1-Related Marfan Syndrome; MARFAN SYNDROME, TYPE I; Marfan syndrome, classic. Identifiers: Orphanet 284963, Orphanet 558, MedGen C0024796, MONDO:0007947, OMIM 154700.
Familial thoracic aortic aneurysm and aortic dissection (TAAD). Also called: Thoracic aortic aneurysms and dissections. Identifiers: Orphanet 91387, MedGen C4707243, MONDO:0019625.

Submissions (3):

ClinGen FBN1 Variant Curation Expert Panel, ClinGen
Classification: Likely pathogenic for Marfan syndrome. Last evaluated: 2023-12-21. Review status: reviewed by expert panel. Criteria: Assertion Criteria VCEP FBN1 Version 1. Collection method: curation. Allele origin: germline. Inheritance: Autosomal dominant inheritance.
Comment: The NM_00138 c.199T>C is a missense variant in FBN1 predicted to cause a substitution of a cysteine by arginine at amino acid 67 (p.Cys67Arg). This variant has been reported 1 in ClinVar as likely pathogenic and 1 time as uncertain significance (Variantion ID: 1380036). Three other probands with clinical features of Marfan syndrome carry the same variant (PMID 19839986, 33436942, 34281902, PS4_Mod). This variant is not present in gnomAD (PM2_sup; v2.1.1). This variant affects a cysteine residue in the fibrillin unique N-terminal (FUN) domain. A different missense variant impacting the same residue, p.Cys67Ser, has previously been established as likely pathogenic, and reported in individuals with clinical features of Marfan syndrome (PMID 27906200, internal data, PM5). Cysteine residues are believed to be involved in the formation of disulfide bridges which are essential for the protein structure. Computational prediction tools and conservation analysis suggest that this variant may impact the protein (REVEL: 0.883, PP3). The constraint z-score for missense variants affecting FBN1 is 5.06 (PP2). In summary, this variant meets criteria to be classified as likely pathogenic for Marfan syndrome based on the ACMG/AMP criteria applied, as specified by the ClinGen FBN1 VCEP: PS4_Mod, PM5, PM2_Sup, PP2, PP3, PP4

Ambry Genetics
Classification: Likely pathogenic for Familial thoracic aortic aneurysm and aortic dissection. Last evaluated: 2026-05-20. Review status: criteria provided, single submitter. Criteria: Ambry Variant Classification Scheme 2023. Collection method: clinical testing. Allele origin: germline. Not counted in ClinVar's aggregate classification.
Comment: The p.C67R variant (also known as c.199T>C), located in coding exon 2 of the FBN1 gene, results from a T to C substitution at nucleotide position 199. The cysteine at codon 67 is replaced by arginine, an amino acid with highly dissimilar properties. The majority of FBN1 mutations identified to date have involved the substitution or generation of cysteine residues within cbEGF domains (Vollbrandt T et al. J Biol Chem. 2004;279(31):32924-32931). Internal structural analysis indicates this alteration eliminates a disulfide bond critical for the structural integrity of the FUN domain (Ambry internal data). This variant was reported in individual(s) with features consistent with Marfan syndrome and related fibrillinopathies (Hung CC et al. Ann Hum Genet, 2009 Nov;73:559-67; Nayak SS et al. Sci Rep, 2021 Jan;11:764; Yang H et al. J Thorac Cardiovasc Surg, 2023 Dec;166:1594-1603.e5; Ambry internal data). Other variant(s) at the same codon, p.C67Y (c.200G>A), have been identified in individual(s) with features consistent with Marfan syndrome and related fibrillinopathies; in at least one individual, it was determined to be de novo (Gezdirici A et al. J Hum Genet, 2021 Jul;66:647-657; Ambry internal data). This amino acid position is highly conserved in available vertebrate species. In addition, this alteration is predicted to be deleterious by in silico analysis. This variant is considered to be rare based on population cohorts in the Genome Aggregation Database (gnomAD). Based on the majority of available evidence to date, this variant is likely to be pathogenic.

Labcorp Genetics (formerly Invitae), Labcorp
Classification: Pathogenic for Marfan syndrome; Familial thoracic aortic aneurysm and aortic dissection. Last evaluated: 2025-03-19. Review status: criteria provided, single submitter. Criteria: Invitae Variant Classification Sherloc (09022015). Collection method: clinical testing. Allele origin: germline. Not counted in ClinVar's aggregate classification.
Comment: This sequence change replaces cysteine, which is neutral and slightly polar, with arginine, which is basic and polar, at codon 67 of the FBN1 protein (p.Cys67Arg). This variant is not present in population databases (gnomAD no frequency). This missense change has been observed in individual(s) with FBN1-related conditions (PMID: 19839986, 33436942). ClinVar contains an entry for this variant (Variation ID: 1380036). Invitae Evidence Modeling of protein sequence and biophysical properties (such as structural, functional, and spatial information, amino acid conservation, physicochemical variation, residue mobility, and thermodynamic stability) indicates that this missense variant is expected to disrupt FBN1 protein function with a positive predictive value of 95%. This variant affects a cysteine residue in the EGF-like, TGFBP or hybrid motif domains of FBN1. Cysteine residues are believed to be involved in intramolecular disulfide bridges and have been shown to be important for FBN1 protein structure (PMID: 16905551, 19349279). In addition, missense substitutions affecting cysteine residues within these domains are significantly overrepresented among patients with Marfan syndrome (PMID: 16571647, 17701892). This variant disrupts the p.Cys67 amino acid residue in FBN1. Other variant(s) that disrupt this residue have been observed in individuals with FBN1-related conditions (PMID: 27906200), which suggests that this may be a clinically significant amino acid residue. For these reasons, this variant has been classified as Pathogenic.

Literature cited by the submitters: PubMed 19839986 (cited by Ambry Genetics and Labcorp Genetics (formerly Invitae), Labcorp); PubMed 33436942 (cited by Ambry Genetics and Labcorp Genetics (formerly Invitae), Labcorp); PubMed 36517271 (cited by Ambry Genetics); PubMed 16905551 (cited by Labcorp Genetics (formerly Invitae), Labcorp); PubMed 19349279 (cited by Labcorp Genetics (formerly Invitae), Labcorp); PubMed 16571647 (cited by Labcorp Genetics (formerly Invitae), Labcorp); PubMed 17701892 (cited by Labcorp Genetics (formerly Invitae), Labcorp); PubMed 27906200 (cited by Labcorp Genetics (formerly Invitae), Labcorp).

NM_000138.5(FBN1):c.199T>C (p.Cys67Arg)

Gene: FBN1 (fibrillin 1; minus strand). Cytogenetic location: 15q21.1.
Variant type: single nucleotide variant.
Coding change: c.199T>C on transcript NM_000138.5 (MANE Select); coding-DNA position 199, T replaced by C.
Protein change: p.Cys67Arg; replaces cysteine 67 with arginine.
Molecular consequence: missense variant.
Genome position (GRCh38, 1-based): chr15:48,613,058, A>G on the plus strand (T>C on the coding strand, the complement: FBN1 is on the minus strand). VCF-style: chr15-48613058-A-G. GRCh37 (hg19) VCF-style: chr15-48905255-A-G.
Other names: NM_000138.5(FBN1):c.199T>C; p.Cys67Arg; short protein forms C67R.
Identifiers: ClinVar variation 1380036 (VCV001380036.10), dbSNP rs2140737496, ClinGen allele CA392448448.